The following is an entry in ClinVar:

NM_000237.3(LPL):c.*1250A>G

Gene: LPL (lipoprotein lipase; plus strand). Cytogenetic location: 8p21.3.
Variant type: single nucleotide variant.
Coding change: c.*1250A>G on transcript NM_000237.3 (MANE Select); 1250 bases downstream of the stop codon, A replaced by G.
Molecular consequence: 3 prime UTR variant.
Genome position (GRCh38, 1-based): chr8:19,966,560, A>G. VCF-style: chr8-19966560-A-G. GRCh37 (hg19) VCF-style: chr8-19824071-A-G.
Identifiers: ClinVar variation 362441 (VCV000362441.8), dbSNP rs3200218, ClinGen allele CA10625124.

ClinVar aggregate classification (germline): Benign. Review status: criteria provided, multiple submitters, no conflicts (2 of 4 stars). 3 submissions from 3 submitters: Benign (3). Last evaluated 2021-01-06.

Conditions:
Hyperlipoproteinemia, type I. Also called: Lipoprotein Lipase Deficiency; Lipase D deficiency; Familial hyperlipo-proteinemia type 1; Hyperlipemia essential familial; Familial Lipoprotein Lipase Deficiency; Hyperlipoproteinemia type 1. Identifiers: Orphanet 309015, Orphanet 444490, MedGen C0023817, MONDO:0009387, OMIM 238600. Disease mechanism: loss of function.

Allele frequency attached by ClinVar (database versions not stated): TOPMed 0.18362; 1000 Genomes Project 0.14876; gnomAD 0.19694 and 0.19378; 1000 Genomes Project 30x 0.14772.

Submissions (3):

GeneDx
Classification: Benign. Last evaluated: 2021-01-06. Review status: criteria provided, single submitter. Criteria: GeneDx Variant Classification Process June 2021. Collection method: clinical testing. Allele origin: germline. Affected: yes.

Illumina Laboratory Services, Illumina
Classification: Benign for Hyperlipoproteinemia, type I. Last evaluated: 2018-01-12. Review status: criteria provided, single submitter. Criteria: ICSL Variant Classification Criteria 13 December 2019. Collection method: clinical testing. Allele origin: germline.
Comment: This variant was observed in the ICSL laboratory as part of a predisposition screen in an ostensibly healthy population. It had not been previously curated by ICSL or reported in the Human Gene Mutation Database (HGMD: prior to June 1st, 2018), and was therefore a candidate for classification through an automated scoring system. Utilizing variant allele frequency, disease prevalence and penetrance estimates, and inheritance mode, an automated score was calculated to assess if this variant is too frequent to cause the disease. Based on the score and internal cut-off values, a variant classified as benign is not then subjected to further curation. The score for this variant resulted in a classification of benign for this disease.

Breakthrough Genomics
Classification: Benign. Review status: criteria provided, single submitter. Criteria: ACMG Guidelines, 2015. Collection method: not provided. Allele origin: germline. Inheritance: Autosomal recessive inheritance. Affected: yes.